The following is an entry in ClinVar:

NM_004260.4(RECQL4):c.2822C>T (p.Thr941Ile)

Gene: RECQL4 (RecQ like helicase 4; minus strand). Cytogenetic location: 8q24.3.
Variant type: single nucleotide variant.
Coding change: c.2822C>T on transcript NM_004260.4 (MANE Select); coding-DNA position 2822, C replaced by T.
Protein change: p.Thr941Ile; replaces threonine 941 with isoleucine.
Molecular consequence: missense variant.
Genome position (GRCh38, 1-based): chr8:144,512,705, G>A on the plus strand (C>T on the coding strand, the complement: RECQL4 is on the minus strand). VCF-style: chr8-144512705-G-A. GRCh37 (hg19) VCF-style: chr8-145738088-G-A.
Other names: short protein forms T941I.
Identifiers: ClinVar variation 941439 (VCV000941439.5), dbSNP rs1060501368, ClinGen allele CA372674225.

ClinVar aggregate classification (germline): Uncertain significance (1 of 4 stars; one submission).

Conditions:
Baller-Gerold syndrome (BGS). Also called: CRANIOSYNOSTOSIS WITH RADIAL DEFECTS. Identifiers: Orphanet 1225, MedGen C0265308, MONDO:0009039, OMIM 218600.

Submission:

Labcorp Genetics (formerly Invitae), Labcorp
Classification: Uncertain significance for Baller-Gerold syndrome. Last evaluated: 2019-10-17. Review status: criteria provided, single submitter. Criteria: Invitae Variant Classification Sherloc (09022015). Collection method: clinical testing. Allele origin: germline.
Comment: In summary, the available evidence is currently insufficient to determine the role of this variant in disease. Therefore, it has been classified as a Variant of Uncertain Significance. Algorithms developed to predict the effect of missense changes on protein structure and function are either unavailable or do not agree on the potential impact of this missense change (SIFT: "Deleterious"; PolyPhen-2: "Benign"; Align-GVGD: "Class C65"). This variant has not been reported in the literature in individuals with RECQL4-related conditions. This variant is not present in population databases (ExAC no frequency). This sequence change replaces threonine with isoleucine at codon 941 of the RECQL4 protein (p.Thr941Ile). The threonine residue is highly conserved and there is a moderate physicochemical difference between threonine and isoleucine.